The following is an entry in ClinVar:

ClinVar aggregate classification (germline): Benign/Likely benign. Review status: criteria provided, multiple submitters, no conflicts (2 of 4 stars). 2 submissions from 2 submitters: Benign (1); Likely benign (1). Last evaluated 2024-10-11.

Conditions:
PKD1L1-related disorder. Also called: PKD1L1-related condition.

Allele frequency attached by ClinVar (database versions not stated): TOPMed 0.00019; gnomAD 0.00029; 1000 Genomes Project 30x 0.00141; 1000 Genomes Project 0.00160.
gnomAD v4.1: 262 of 1,614,098 alleles (0.016%); highest among the groups gnomAD compares: South Asian, 0.17%; 4 homozygotes.

Submissions (2):

PreventionGenetics, part of Exact Sciences
Classification: Likely benign for PKD1L1-related condition. Last evaluated: 2024-10-11. Review status: criteria provided, single submitter. Criteria: ACMG Guidelines, 2015. Collection method: clinical testing. Allele origin: germline.
Comment: This variant is classified as likely benign based on ACMG/AMP sequence variant interpretation guidelines (Richards et al. 2015 PMID: 25741868, with internal and published modifications).

Labcorp Genetics (formerly Invitae), Labcorp
Classification: Benign. Last evaluated: 2022-08-24. Review status: criteria provided, single submitter. Criteria: Invitae Variant Classification Sherloc (09022015). Collection method: clinical testing. Allele origin: germline.

NM_138295.5(PKD1L1):c.3365G>A (p.Arg1122Lys)

Gene: PKD1L1 (polycystin 1 like 1, transient receptor potential channel interacting; minus strand). Cytogenetic location: 7p12.3.
Variant type: single nucleotide variant.
Coding change: c.3365G>A on transcript NM_138295.5 (MANE Select); coding-DNA position 3365, G replaced by A.
Protein change: p.Arg1122Lys; replaces arginine 1122 with lysine.
Molecular consequence: missense variant.
Genome position (GRCh38, 1-based): chr7:47,881,986, C>T on the plus strand (G>A on the coding strand, the complement: PKD1L1 is on the minus strand). VCF-style: chr7-47881986-C-T. GRCh37 (hg19) VCF-style: chr7-47921584-C-T.
Other names: c.3365G>A (NM_138295.3); short protein forms R1122K.
Identifiers: ClinVar variation 2052357 (VCV002052357.5), dbSNP rs544026748, ClinGen allele CA4253450.